The following is an entry in ClinVar:

ClinVar aggregate classification (germline): Uncertain significance (0 of 4 stars; one submission).

Allele frequency attached by ClinVar (database versions not stated): ExAC 0.00018; gnomAD exomes 0.00004.

Submission:

Richard Lifton Laboratory, Yale University School of Medicine
Classification: Uncertain significance. Review status: no assertion criteria provided. Collection method: not provided. Allele origin: somatic.
Comment: KIAA1468
ClinVar note: Converted during submission from unknown to Uncertain significance.

NM_001346231.2(RELCH):c.1735C>A (p.Gln579Lys)

Gene: RELCH (RAB11 binding and LisH domain, coiled-coil and HEAT repeat containing; plus strand). Cytogenetic location: 18q21.33.
Variant type: single nucleotide variant.
Coding change: c.1735C>A on transcript NM_001346231.2 (MANE Select); coding-DNA position 1735, C replaced by A.
Protein change: p.Gln579Lys; replaces glutamine 579 with lysine.
Molecular consequence: missense variant. On other transcripts: 5 prime UTR variant (1), non-coding transcript variant (9).
Genome position (GRCh38, 1-based): chr18:62,252,665, C>A. VCF-style: chr18-62252665-C-A. GRCh37 (hg19) VCF-style: chr18-59919898-C-A.
Other names: c.1735C>A, p.Gln579Lys (NM_001346229.2, NM_001346233.2, NM_001346234.2 and 1 more transcripts); c.1759C>A, p.Gln587Lys (NM_001346230.2); c.-3C>A (NM_001346235.2); short protein forms Q579K, Q587K.
Identifiers: ClinVar variation 92009 (VCV000092009.2), dbSNP rs386352321, ClinGen allele CA232343.